The following is an entry in ClinVar:

NM_001394998.1(TANC2):c.3671G>A (p.Arg1224His)

Genes: TANC2 (tetratricopeptide repeat, ankyrin repeat and coiled-coil containing 2; plus strand), LOC105371856 (uncharacterized LOC105371856; minus strand). Cytogenetic location: 17q23.3.
Variant type: single nucleotide variant.
Coding change: c.3671G>A on transcript NM_001394998.1 (MANE Select); coding-DNA position 3671, G replaced by A.
Protein change: p.Arg1224His; replaces arginine 1224 with histidine.
Molecular consequence: missense variant.
Genome position (GRCh38, 1-based): chr17:63,411,592, G>A. VCF-style: chr17-63411592-G-A. GRCh37 (hg19) VCF-style: chr17-61488953-G-A.
Other names: c.3449G>A, p.Arg1150His (NM_001411076.1, NM_025185.4); c.3449G>A (NM_025185.3); short protein forms R1150H, R1224H.
Identifiers: ClinVar variation 3234916 (VCV003234916.2), dbSNP rs377115331, ClinGen allele CA8698047.
Genomic context (GRCh38, chr17:63,411,592, plus strand): 5'-ACAAAGAAGGATTGACAGCCCTCAGCTGGGCTTGTTTGAAGGGCCATCTCTCAGTAGTAC[G>A]TTCTCTGGTGGATAACGGAGCTGCCACAGACCATGCTGACAAGAATGGCCGTACCCCACT-3'
Protein context (NP_001381927.1, residues 1214-1234): ACLKGHLSVV[Arg1224His]SLVDNGAATD

ClinVar aggregate classification (germline): Uncertain significance. Review status: criteria provided, multiple submitters, no conflicts (2 of 4 stars). 2 submissions from 2 submitters: Uncertain significance (2). Last evaluated 2025-01-03.

Conditions:
Intellectual developmental disorder with autistic features and language delay, with or without seizures. Identifiers: MedGen C5394447, MONDO:0030051, OMIM 618906.
Inborn genetic diseases. Identifiers: MedGen C0950123, MeSH D030342.

Allele frequency attached by ClinVar (database versions not stated): gnomAD exomes 0.00001; TOPMed 0.00006; ESP Exome Variant Server 0.00008.
gnomAD v4.1: 16 of 1,613,986 alleles (0.00099%); highest among the groups gnomAD compares: African/African-American, 0.0053%; no homozygotes.

Submissions (2):

Ambry Genetics
Classification: Uncertain significance for Inborn genetic diseases. Last evaluated: 2025-01-03. Review status: criteria provided, single submitter. Criteria: Ambry Variant Classification Scheme 2023. Collection method: clinical testing. Allele origin: germline.

Neuberg Centre For Genomic Medicine, NCGM
Classification: Uncertain significance for Intellectual developmental disorder with autistic features and language delay, with or without seizures. Review status: criteria provided, single submitter. Criteria: ACMG Guidelines, 2015. Collection method: clinical testing. Allele origin: germline. Inheritance: Autosomal dominant inheritance. Affected: yes.
Comment: The missense c.3449G>Ap.Arg1150His variant in TANC2 gene has not been reported previously as a pathogenic variant nor as a benign variant, to our knowledge. The p.Arg1150His variant has been reported with allele frequency of 0.0008% in gnomAD Exomes and is novel not in any individuals in 1000 Genomes database. This variant has not been reported to the ClinVar database. The amino acid change p.Arg1150His in TANC2 is predicted as conserved by GERP++ and PhyloP across 100 vertebrates. The amino acid Arg at position 1150 is changed to a His changing protein sequence and it might alter its composition and physico-chemical properties. For these reasons, this variant has been classified as Variant of Uncertain Significance VUS.